The following is an entry in ClinVar:

NM_000179.3(MSH6):c.2832_2833del (p.Ile944fs)

Gene: MSH6 (mutS homolog 6; plus strand). Cytogenetic location: 2p16.3.
Variant type: Deletion.
Coding change: c.2832_2833del on transcript NM_000179.3 (MANE Select); coding-DNA positions 2832 to 2833, 2 bases deleted (AA; older notation c.2832_2833delAA).
Protein change: p.Ile944fs; shifts the reading frame from isoleucine 944.
Molecular consequence: frameshift variant.
Genome position (GRCh38, 1-based): chr2:47,800,815-47,800,816, AA deleted. VCF-style (leftmost placement, unchanged base first): chr2-47800814-TAA-T. GRCh37 (hg19) VCF-style: chr2-48027953-TAA-T.
Other names: c.1926_1927del, p.Ile642fs (NM_001281494.2, NM_001281493.2); c.2442_2443del, p.Ile814fs (NM_001281492.2); c.1926_1927delAA (NM_001281493.1); c.2832_2833delAA (NM_000179.2, NM_000179.3); short protein forms I944fs, I814fs, I642fs.
Identifiers: ClinVar variation 182680 (VCV000182680.36), dbSNP rs730881827, ClinGen allele CA010983.
Genomic context (GRCh38, chr2:47,800,814, plus strand): 5'-CTGGACTTATTACTCCCAAAGCAGGCTTTGACTCTGATTATGACCAAGCTCTTGCTGACA[TAA>T]GAGAAAATGAACAGAGCCTCCTGGAATACCTAGAGAAACAGCGCAACAGAATTGGCTGTA-3'

ClinVar aggregate classification (germline): Pathogenic/Likely pathogenic. Review status: criteria provided, multiple submitters, no conflicts (2 of 4 stars). 12 submissions from 12 submitters: Pathogenic (10); Likely pathogenic (1). 1 of the submissions does not count toward it. Last evaluated 2025-12-28.

Conditions:
Endometrial carcinoma. Also called: Endometrial carcinoma, somatic. Identifiers: MedGen C0476089, MONDO:0002447, OMIM 608089, HP:0012114.
MSH6-related disorder. Also called: MSH6-related condition; MSH6-Related disorders.
Hereditary nonpolyposis colon cancer (HNPCC). Also called: Hereditary Nonpolyposis Colorectal Cancer Syndrome; Hereditary nonpolyposis colorectal cancer; Familial nonpolyposis colon cancer. Identifiers: Orphanet 443909, MedGen C1333990, MONDO:0018630. Disease mechanism: loss of function.
Hereditary nonpolyposis colorectal neoplasms. Identifiers: MedGen C0009405, MeSH D003123.
Hereditary cancer-predisposing syndrome. Also called: Tumor predisposition; Hereditary Cancer Syndrome; Hereditary neoplastic syndrome; Neoplastic Syndromes, Hereditary. Identifiers: Orphanet 140162, MedGen C0027672, MeSH D009386, MONDO:0015356.
Lynch syndrome 5 (LYNCH5). Also called: Colorectal cancer, hereditary nonpolyposis, type 5; Hereditary non-polyposis colorectal cancer, type 5. Identifiers: Orphanet 144, MedGen C1833477, MONDO:0013710, OMIM 614350. Disease mechanism: loss of function.

Allele frequency attached by ClinVar (database versions not stated): TOPMed below 0.00001.

Submissions (12):

Labcorp Genetics (formerly Invitae), Labcorp
Classification: Pathogenic for Hereditary nonpolyposis colorectal neoplasms. Last evaluated: 2025-12-28. Review status: criteria provided, single submitter. Criteria: Invitae Variant Classification Sherloc (09022015). Collection method: clinical testing. Allele origin: germline.
Comment: This sequence change creates a premature translational stop signal (p.Ile944Metfs*4) in the MSH6 gene. It is expected to result in an absent or disrupted protein product. Loss-of-function variants in MSH6 are known to be pathogenic (PMID: 18269114, 24362816). This variant is not present in population databases (gnomAD no frequency). This premature translational stop signal has been observed in individual(s) with endometrial cancer and colon polyps (PMID: 26681312). Invitae Evidence Modeling of clinical and family history, age, sex, and reported ancestry of multiple individuals with this MSH6 variant has been performed. This variant is expected to be pathogenic with a positive predictive value of at least 99%. This is a validated machine learning model that incorporates the clinical features of 1,627,235 individuals referred to our laboratory for MSH6 testing. ClinVar contains an entry for this variant (Variation ID: 182680). For these reasons, this variant has been classified as Pathogenic.

GeneDx
Classification: Pathogenic. Last evaluated: 2025-09-19. Review status: criteria provided, single submitter. Criteria: GeneDx Variant Classification Process June 2021. Collection method: clinical testing. Allele origin: germline. Affected: yes.
Comment: Observed in individuals with ovarian cancer, endometrial cancer, and/or colorectal polyps (PMID: 26681312, 28888541); Frameshift variant predicted to result in protein truncation or nonsense mediated decay in a gene for which loss of function is a known mechanism of disease; Not observed at significant frequency in large population cohorts (gnomAD); Truncating variants in this gene are considered pathogenic by a well-established clinical consortium and/or database; This variant is associated with the following publications: (PMID: 28888541, 26681312, 30787465)

Women's Health and Genetics/Laboratory Corporation of America, LabCorp
Classification: Pathogenic for Hereditary nonpolyposis colon cancer. Last evaluated: 2024-11-07. Review status: criteria provided, single submitter. Criteria: LabCorp Variant Classification Summary - May 2015. Collection method: clinical testing. Allele origin: germline.
Comment: Variant summary: MSH6 c.2832_2833delAA (p.Ile944MetfsX4) results in a premature termination codon, predicted to cause a truncation of the encoded protein or absence of the protein due to nonsense mediated decay, which are commonly known mechanisms for disease. The variant was absent in 250456 control chromosomes. c.2832_2833delAA has been reported in the literature in at least one individual affected with endometrial cancer and colon polyps (e.g. Susswein_2016). To our knowledge, no experimental evidence demonstrating an impact on protein function has been reported. The following publication has been ascertained in the context of this evaluation (PMID: 26681312). ClinVar contains an entry for this variant (Variation ID: 182680). Based on the evidence outlined above, the variant was classified as pathogenic.

Ambry Genetics
Classification: Pathogenic for Hereditary cancer-predisposing syndrome. Last evaluated: 2024-09-25. Review status: criteria provided, single submitter. Criteria: Ambry Variant Classification Scheme 2023. Collection method: clinical testing. Allele origin: germline.
Comment: The c.2832_2833delAA pathogenic mutation, located in coding exon 4 of the MSH6 gene, results from a deletion of two nucleotides at nucleotide positions 2832 to 2833, causing a translational frameshift with a predicted alternate stop codon (p.I944Mfs*4). This mutation has been identified in several cohorts of individuals who underwent multigene panel testing for hereditary cancer risk, including patients with a personal diagnosis of endometrial and breast cancer (Susswein LR et al. Genet Med, 2016 08;18:823-32; Espenschied CR et al. J Clin Oncol, 2017 Aug;35:2568-2575; Roberts ME et al. Genet Med, 2018 10;20:1167-1174). This variant is considered to be rare based on population cohorts in the Genome Aggregation Database (gnomAD). In addition to the clinical data presented in the literature, this alteration is expected to result in loss of function by premature protein truncation or nonsense-mediated mRNA decay. As such, this alteration is interpreted as a disease-causing mutation.

Clinical Genomic Analysis (GENYSIS) Core, University of North Carolina at Chapel Hill
Classification: Likely pathogenic for Lynch syndrome 5. Last evaluated: 2023-06-12. Review status: criteria provided, single submitter. Criteria: ACMG Guidelines, 2015. Collection method: research. Allele origin: unknown. Observed: 1 heterozygote. Study: UNC Genetic Determinants of Neurological and Developmental Disorders (GDNDD) Study.
Comment: MSH6 c.2832_2833del, p.(Ile944MetfsTer4) is a two-nucleotide deletion in exon 4 of 10 that is predicted to result in a frameshift, premature protein truncation and loss of protein function. This variant is absent from the gnomADv3.1 population database and has been classified as pathogenic by numerous clinical laboratories in ClinVar. It has been reported in a small number of individuals with a reported clinical history of Lynch-syndrome associated cancers including endometrial, ovarian, breast, and colon (PMIDs 26681312, 28514183 ,28888541, 29345684). This variant is thus considered likely pathogenic per the ClinGen InSiGHT Hereditary Colorectal Cancer/Polyposis Expert Panel Specifications to the ACMG/AMP Variant Interpretation Guidelines for MSH6 Version 1.0.0. ACMG codes: PVS1 (null variant), PM2_Supporting (absent from gnomAD)

Color Diagnostics, LLC DBA Color Health
Classification: Pathogenic for Hereditary cancer-predisposing syndrome. Last evaluated: 2023-05-30. Review status: criteria provided, single submitter. Criteria: ACMG Guidelines, 2015. Collection method: clinical testing. Allele origin: germline.
Comment: This variant deletes 2 nucleotides in exon 4 of the MSH6 gene, creating a frameshift and premature translation stop signal. This variant is expected to result in an absent or non-functional protein product. This variant has been reported in two individuals affected with endometrial cancer, one of whom was also affected with colon polyps (PMID: 26681312, 29345684), and in one individual affected with breast cancer (PMID: 29345684). This variant has not been identified in the general population by the Genome Aggregation Database (gnomAD). Loss of MSH6 function is a known mechanism of disease. Based on the available evidence, this variant is classified as Pathogenic.

PreventionGenetics, part of Exact Sciences
Classification: Pathogenic for MSH6-related condition. Last evaluated: 2023-05-04. Review status: criteria provided, single submitter. Criteria: ACMG Guidelines, 2015. Collection method: clinical testing. Allele origin: germline.
Comment: The MSH6 c.2832_2833delAA variant is predicted to result in a frameshift and premature protein termination (p.Ile944Metfs*4). This variant was reported in an individual with Lynch Syndrome spectrum cancers and individuals undergoing cancer genetic testing (Table S1, Susswein et al. 2016. PubMed ID: 26681312; Table S7, Lilyquist et al. 2017. PubMed ID: 28888541; Table S2, Roberts et al. 2018. PubMed ID: 29345684; Table A2, Espenschied et al. 2017. PubMed ID: 28514183). This variant has not been reported in a large population database, indicating this variant is rare. It is interpreted as pathogenic in ClinVar. Frameshift variants in MSH6 are expected to be pathogenic. This variant is interpreted as pathogenic.

Myriad Genetics, Inc.
Classification: Pathogenic for Lynch syndrome 5. Last evaluated: 2023-03-28. Review status: criteria provided, single submitter. Criteria: Myriad Autosomal Dominant, Autosomal Recessive and X-Linked Classification Criteria (2023). Collection method: clinical testing. Allele origin: unknown.
Comment: This variant is considered pathogenic. This variant creates a frameshift predicted to result in premature protein truncation.

Quest Diagnostics Nichols Institute San Juan Capistrano
Classification: Pathogenic. Last evaluated: 2021-04-19. Review status: criteria provided, single submitter. Criteria: Quest Diagnostics criteria. Collection method: clinical testing. Allele origin: unknown.
Comment: This frameshift variant causes the premature termination of MSH6 protein synthesis. It has been reported in women affected with endometrial and ovarian cancer in the published literature (PMID: 26681312 (2015), 28888541 (2017)). Based on the available information, this variant is classified as pathogenic.

Baylor Genetics
Classification: Pathogenic for Endometrial carcinoma. Last evaluated: 2021-04-13. Review status: criteria provided, single submitter. Criteria: ACMG Guidelines, 2015. Collection method: clinical testing. Allele origin: unknown.

ARUP Laboratories, Molecular Genetics and Genomics, ARUP Laboratories
Classification: Pathogenic. Last evaluated: 2017-09-03. Review status: criteria provided, single submitter. Criteria: ARUP Molecular Germline Variant Investigation Process. Collection method: clinical testing. Allele origin: germline.

Counsyl
Classification: Pathogenic for Lynch syndrome 5. Last evaluated: 2018-06-05. Review status: no assertion criteria provided. Collection method: clinical testing. Allele origin: unknown. Not counted in ClinVar's aggregate classification.

Literature cited by the submitters: PubMed 18269114 (cited by Labcorp Genetics (formerly Invitae), Labcorp); PubMed 24362816 (cited by Labcorp Genetics (formerly Invitae), Labcorp); PubMed 26681312 (cited by 7 submitters); PubMed 28514183 (cited by Ambry Genetics and Clinical Genomic Analysis (GENYSIS) Core, University of North Carolina at Chapel Hill); PubMed 29345684 (cited by Ambry Genetics and Color Diagnostics, LLC DBA Color Health); PubMed 28888541 (cited by Clinical Genomic Analysis (GENYSIS) Core, University of North Carolina at Chapel Hill and Quest Diagnostics Nichols Institute San Juan Capistrano); PubMed 2934568 (cited by Clinical Genomic Analysis (GENYSIS) Core, University of North Carolina at Chapel Hill).